The following is an entry in ClinVar:

NM_002516.4(NOVA2):c.1283C>A (p.Thr428Lys)

Gene: NOVA2 (NOVA alternative splicing regulator 2; minus strand). Cytogenetic location: 19q13.32.
Variant type: single nucleotide variant.
Coding change: c.1283C>A on transcript NM_002516.4 (MANE Select); coding-DNA position 1283, C replaced by A.
Protein change: p.Thr428Lys; replaces threonine 428 with lysine.
Molecular consequence: missense variant.
Genome position (GRCh38, 1-based): chr19:45,940,059, G>T on the plus strand (C>A on the coding strand, the complement: NOVA2 is on the minus strand). VCF-style: chr19-45940059-G-T. GRCh37 (hg19) VCF-style: chr19-46443317-G-T.
Other names: short protein forms T428K.
Identifiers: ClinVar variation 5020552 (VCV005020552.1).

ClinVar aggregate classification (germline): Uncertain significance (1 of 4 stars; one submission).

Submission:

Dasa
Classification: Uncertain significance. Last evaluated: 2026-05-18. Review status: criteria provided, single submitter. Criteria: DASA Assertion Criteria. Collection method: clinical testing. Allele origin: germline.
Comment: NM_002516.4(NOVA2):c.1283C>A (p.Thr428Lys) is a missense variant that results in the substitution of threonine with lysine. This variant is rare in population databases. The currently available literature and clinical evidence are not sufficient to establish a definitive association between this variant and the reported condition. Therefore, this variant is classified as a variant of uncertain significance.